The following is an entry in ClinVar:

ClinVar aggregate classification (germline): Uncertain significance. Review status: criteria provided, multiple submitters, no conflicts (2 of 4 stars). 2 submissions from 2 submitters: Uncertain significance (2). Last evaluated 2024-11-10.

Conditions:
Familial thoracic aortic aneurysm and aortic dissection (TAAD). Also called: Thoracic aortic aneurysms and dissections. Identifiers: Orphanet 91387, MedGen C4707243, MONDO:0019625.
Loeys-Dietz syndrome 4 (LDS4). Also called: ANEURYSM, AORTIC AND CEREBRAL, WITH ARTERIAL TORTUOSITY AND SKELETAL MANIFESTATIONS; TGFB2-Related Loeys-Dietz Syndrome. Identifiers: MedGen C3553762, MONDO:0013897, OMIM 614816.

Submissions (2):

Ambry Genetics
Classification: Uncertain significance for Familial thoracic aortic aneurysm and aortic dissection. Last evaluated: 2024-11-10. Review status: criteria provided, single submitter. Criteria: Ambry Variant Classification Scheme 2023. Collection method: clinical testing. Allele origin: germline.
Comment: The p.P279S variant (also known as c.835C>T), located in coding exon 5 of the TGFB2 gene, results from a C to T substitution at nucleotide position 835. The proline at codon 279 is replaced by serine, an amino acid with similar properties. This amino acid position is conserved. In addition, the in silico prediction for this alteration is inconclusive. Based on the available evidence, the clinical significance of this variant remains unclear.

Labcorp Genetics (formerly Invitae), Labcorp
Classification: Uncertain significance for Loeys-Dietz syndrome 4. Last evaluated: 2019-02-19. Review status: criteria provided, single submitter. Criteria: Invitae Variant Classification Sherloc (09022015). Collection method: clinical testing. Allele origin: germline.
Comment: This sequence change replaces proline with serine at codon 279 of the TGFB2 protein (p.Pro279Ser). The proline residue is highly conserved and there is a moderate physicochemical difference between proline and serine. This variant is not present in population databases (ExAC no frequency). This variant has not been reported in the literature in individuals with TGFB2-related conditions. Algorithms developed to predict the effect of missense changes on protein structure and function are either unavailable or do not agree on the potential impact of this missense change (SIFT: "Tolerated"; PolyPhen-2: "Probably Damaging"; Align-GVGD: "Class C25"). In summary, the available evidence is currently insufficient to determine the role of this variant in disease. Therefore, it has been classified as a Variant of Uncertain Significance.

NM_003238.6(TGFB2):c.835C>T (p.Pro279Ser)

Gene: TGFB2 (transforming growth factor beta 2; plus strand). Cytogenetic location: 1q41.
Variant type: single nucleotide variant.
Coding change: c.835C>T on transcript NM_003238.6 (MANE Select); coding-DNA position 835, C replaced by T.
Protein change: p.Pro279Ser; replaces proline 279 with serine.
Molecular consequence: missense variant.
Genome position (GRCh38, 1-based): chr1:218,436,050, C>T. VCF-style: chr1-218436050-C-T. GRCh37 (hg19) VCF-style: chr1-218609392-C-T.
Other names: c.919C>T, p.Pro307Ser (NM_001135599.4); short protein forms P279S, P307S.
Identifiers: ClinVar variation 844813 (VCV000844813.13), dbSNP rs1659961526, ClinGen allele CA344727162.